The following is an entry in ClinVar:

ClinVar aggregate classification (germline): Likely benign. Review status: criteria provided, multiple submitters, no conflicts (2 of 4 stars). 2 submissions from 2 submitters: Likely benign (2). Last evaluated 2026-08-10.

Conditions:
KIF1A-related disorder. Also called: KIF1A-related disorders; KIF1A-related condition.
Neuropathy, hereditary sensory, type 2C. Also called: KIF1A-Related HSAN2 (HSAN2C); Hereditary sensory and autonomic neuropathy type IIC. Identifiers: Orphanet 970, MedGen C3280168, MONDO:0013634, OMIM 614213.
Intellectual disability, autosomal dominant 9 (NESCAVS). Also called: NESCAV SYNDROME; KIF1A-Related Neurodevelopmental Disorder. Identifiers: Orphanet 662367, MedGen C5393830, MONDO:0013656, OMIM 614255.
Hereditary spastic paraplegia 30. Identifiers: Orphanet 101010, MedGen C5235139, MONDO:0012476.

Allele frequency attached by ClinVar (database versions not stated): gnomAD 0.00001; ExAC 0.00009.
gnomAD v4.1: 13 of 1,520,564 alleles (0.00085%); highest among the groups gnomAD compares: Admixed American, 0.004%; 1 homozygote.

Submissions (2):

PreventionGenetics, part of Exact Sciences
Classification: Likely benign for KIF1A-related condition. Last evaluated: 2026-08-10. Review status: criteria provided, single submitter. Criteria: ACMG Guidelines, 2015. Collection method: clinical testing. Allele origin: germline.
Comment: This variant is classified as likely benign based on ACMG/AMP sequence variant interpretation guidelines (Richards et al. 2015 PMID: 25741868, with internal and published modifications).

Labcorp Genetics (formerly Invitae), Labcorp
Classification: Likely benign for Hereditary spastic paraplegia 30; Neuropathy, hereditary sensory, type 2C; Intellectual disability, autosomal dominant 9. Last evaluated: 2025-04-23. Review status: criteria provided, single submitter. Criteria: Invitae Variant Classification Sherloc (09022015). Collection method: clinical testing. Allele origin: germline.

NM_001244008.2(KIF1A):c.363+10G>A

Gene: KIF1A (kinesin family member 1A; minus strand). Cytogenetic location: 2q37.3.
Variant type: single nucleotide variant.
Coding change: c.363+10G>A on transcript NM_001244008.2 (MANE Select); 10 bases into the intron after coding-DNA position 363, G replaced by A.
Molecular consequence: intron variant.
Genome position (GRCh38, 1-based): chr2:240,788,041, C>T on the plus strand (G>A on the coding strand, the complement: KIF1A is on the minus strand). VCF-style: chr2-240788041-C-T. GRCh37 (hg19) VCF-style: chr2-241727458-C-T.
Other names: c.363+10G>A (NM_001379653.1, NM_001379650.1, NM_001379645.1 and 21 more transcripts).
Identifiers: ClinVar variation 2084353 (VCV002084353.5), dbSNP rs771502751, ClinGen allele CA2208830.